The following is an entry in ClinVar:

ClinVar aggregate classification (germline): Uncertain significance. Review status: criteria provided, multiple submitters, no conflicts (2 of 4 stars). 3 submissions from 3 submitters: Uncertain significance (3). Last evaluated 2025-11-03.

Conditions:
Inborn genetic diseases. Identifiers: MedGen C0950123, MeSH D030342.

Allele frequency attached by ClinVar (database versions not stated): gnomAD exomes 0.00002 and 0.00004; gnomAD 0.00009 and 0.00010; TOPMed 0.00008.

Submissions (3):

Ambry Genetics
Classification: Uncertain significance for Inborn genetic diseases. Last evaluated: 2025-11-03. Review status: criteria provided, single submitter. Criteria: Ambry Variant Classification Scheme 2023. Collection method: clinical testing. Allele origin: germline.

Labcorp Genetics (formerly Invitae), Labcorp
Classification: Uncertain significance. Last evaluated: 2024-12-02. Review status: criteria provided, single submitter. Criteria: Invitae Variant Classification Sherloc (09022015). Collection method: clinical testing. Allele origin: germline.
Comment: This sequence change replaces serine, which is neutral and polar, with proline, which is neutral and non-polar, at codon 104 of the EIF2AK3 protein (p.Ser104Pro). This variant is present in population databases (no rsID available, gnomAD 0.03%). This variant has not been reported in the literature in individuals affected with EIF2AK3-related conditions. ClinVar contains an entry for this variant (Variation ID: 500124). An algorithm developed to predict the effect of missense changes on protein structure and function (PolyPhen-2) suggests that this variant is likely to be tolerated. In summary, the available evidence is currently insufficient to determine the role of this variant in disease. Therefore, it has been classified as a Variant of Uncertain Significance.

Eurofins Ntd Llc (ga)
Classification: Uncertain significance. Last evaluated: 2017-02-07. Review status: criteria provided, single submitter. Criteria: EGL Classification Definitions 2015. Collection method: clinical testing. Allele origin: germline. Observed: 1 variant allele, 1 heterozygote.

NM_004836.7(EIF2AK3):c.310T>C (p.Ser104Pro)

Gene: EIF2AK3 (eukaryotic translation initiation factor 2 alpha kinase 3; minus strand). Cytogenetic location: 2p11.2.
Variant type: single nucleotide variant.
Coding change: c.310T>C on transcript NM_004836.7 (MANE Select); coding-DNA position 310, T replaced by C.
Protein change: p.Ser104Pro; replaces serine 104 with proline.
Molecular consequence: missense variant. On other transcripts: 5 prime UTR variant (1).
Genome position (GRCh38, 1-based): chr2:88,613,852, A>G on the plus strand (T>C on the coding strand, the complement: EIF2AK3 is on the minus strand). VCF-style: chr2-88613852-A-G. GRCh37 (hg19) VCF-style: chr2-88913370-A-G.
Other names: c.-144T>C (NM_001313915.2); c.310T>C (NM_004836.5); short protein forms S104P.
Identifiers: ClinVar variation 500124 (VCV000500124.12), dbSNP rs1340497908, ClinGen allele CA347762709.